The following is an entry in ClinVar:

NM_018646.6(TRPV6):c.1936C>T (p.Arg646Trp)

Gene: TRPV6 (transient receptor potential cation channel subfamily V member 6; minus strand). Cytogenetic location: 7q34.
Variant type: single nucleotide variant.
Coding change: c.1936C>T on transcript NM_018646.6 (MANE Select); coding-DNA position 1936, C replaced by T.
Protein change: p.Arg646Trp; replaces arginine 646 with tryptophan.
Molecular consequence: missense variant.
Genome position (GRCh38, 1-based): chr7:142,872,451, G>A on the plus strand (C>T on the coding strand, the complement: TRPV6 is on the minus strand). VCF-style: chr7-142872451-G-A. GRCh37 (hg19) VCF-style: chr7-142570204-G-A.
Other names: short protein forms R646W.
Identifiers: ClinVar variation 2396494 (VCV002396494.5), dbSNP rs543716080, ClinGen allele CA4532368.

ClinVar aggregate classification (germline): Uncertain significance. Review status: criteria provided, multiple submitters, no conflicts (2 of 4 stars). 2 submissions from 2 submitters: Uncertain significance (2). Last evaluated 2025-08-01.

Conditions:
Inborn genetic diseases. Identifiers: MedGen C0950123, MeSH D030342.

Allele frequency attached by ClinVar (database versions not stated): 1000 Genomes Project 30x 0.00016; 1000 Genomes Project 0.00020; ExAC 0.00005.
gnomAD v4.1: 63 of 1,614,020 alleles (0.0039%); highest among the groups gnomAD compares: East Asian, 0.011%; no homozygotes.

Submissions (2):

Labcorp Genetics (formerly Invitae), Labcorp
Classification: Uncertain significance. Last evaluated: 2025-08-01. Review status: criteria provided, single submitter. Criteria: Invitae Variant Classification Sherloc (09022015). Collection method: clinical testing. Allele origin: germline.
Comment: This sequence change replaces arginine, which is basic and polar, with tryptophan, which is neutral and slightly polar, at codon 646 of the TRPV6 protein (p.Arg646Trp). This variant is present in population databases (rs543716080, gnomAD 0.1%). This missense change has been observed in individual(s) with chronic pancreatitis (PMID: 34923708). ClinVar contains an entry for this variant (Variation ID: 2396494). Algorithms developed to predict the effect of variants on gene product structure and function are not available or were not evaluated for this variant. Experimental studies have shown that this missense change affects TRPV6 function (PMID: 34923708). In summary, the available evidence is currently insufficient to determine the role of this variant in disease. Therefore, it has been classified as a Variant of Uncertain Significance.

Ambry Genetics
Classification: Uncertain significance for Inborn genetic diseases. Last evaluated: 2021-10-18. Review status: criteria provided, single submitter. Criteria: Ambry Variant Classification Scheme 2023. Collection method: clinical testing. Allele origin: germline.

Literature cited by the submitters: PubMed 34923708 (cited by Labcorp Genetics (formerly Invitae), Labcorp).